The following is an entry in ClinVar:

NM_001363.5(DKC1):c.494G>T (p.Gly165Val)

Gene: DKC1 (dyskerin pseudouridine synthase 1; plus strand). Cytogenetic location: Xq28.
Variant type: single nucleotide variant.
Coding change: c.494G>T on transcript NM_001363.5 (MANE Select); coding-DNA position 494, G replaced by T.
Protein change: p.Gly165Val; replaces glycine 165 with valine.
Molecular consequence: missense variant. On other transcripts: non-coding transcript variant (3).
Genome position (GRCh38, 1-based): chrX:154,767,042, G>T. VCF-style: chrX-154767042-G-T. GRCh37 (hg19) VCF-style: chrX-153995317-G-T.
Other names: c.494G>T, p.Gly165Val (NM_001142463.3, NM_001288747.2); short protein forms G165V.
Identifiers: ClinVar variation 967456 (VCV000967456.10), dbSNP rs782622660, ClinGen allele CA414890053.

ClinVar aggregate classification (germline): Uncertain significance (1 of 4 stars; one submission).

Conditions:
Dyskeratosis congenita. Identifiers: Orphanet 1775, MedGen C0265965, MONDO:0015780.

Submissions (3):

Labcorp Genetics (formerly Invitae), Labcorp
Classification: Uncertain significance for Dyskeratosis congenita. Last evaluated: 2019-10-28. Review status: criteria provided, single submitter. Criteria: Invitae Variant Classification Sherloc (09022015). Collection method: clinical testing. Allele origin: germline.
Comment: In summary, the available evidence is currently insufficient to determine the role of this variant in disease. Therefore, it has been classified as a Variant of Uncertain Significance. Algorithms developed to predict the effect of missense changes on protein structure and function are either unavailable or do not agree on the potential impact of this missense change (SIFT: "Deleterious"; PolyPhen-2: "Possibly Damaging"; Align-GVGD: "Class C0"). This variant has not been reported in the literature in individuals with DKC1-related conditions. This variant is not present in population databases (ExAC no frequency). This sequence change replaces glycine with valine at codon 165 of the DKC1 protein (p.Gly165Val). The glycine residue is weakly conserved and there is a moderate physicochemical difference between glycine and valine.

Dr. Peter K. Rogan Lab, Western University
No classification provided (evidence only). Condition: Thyroid cancer, nonmedullary, 1. Review status: no classification provided. Collection method: in vitro. Allele origin: not applicable. Functional consequence: retained intron. Not counted in ClinVar's aggregate classification.

Dr. Peter K. Rogan Lab, Western University
No classification provided (evidence only). Condition: Thyroid cancer, nonmedullary, 1. Review status: no classification provided. Collection method: in vitro. Allele origin: not applicable. Functional consequence: retained intron. Not counted in ClinVar's aggregate classification.